The following is an entry in ClinVar:

ClinVar aggregate classification (germline): Uncertain significance. Review status: criteria provided, multiple submitters, no conflicts (2 of 4 stars). 2 submissions from 2 submitters: Uncertain significance (2). Last evaluated 2025-05-20.

gnomAD v4.1: 29 of 1,606,872 alleles (0.0018%); highest among the groups gnomAD compares: African/African-American, 0.013%; no homozygotes.

Submissions (2):

Ambry Genetics
Classification: Uncertain significance. Last evaluated: 2025-05-20. Review status: criteria provided, single submitter. Criteria: Ambry Variant Classification Scheme 2023. Collection method: clinical testing. Allele origin: germline.

GeneDx
Classification: Uncertain significance. Last evaluated: 2022-09-13. Review status: criteria provided, single submitter. Criteria: GeneDx Variant Classification Process June 2021. Collection method: clinical testing. Allele origin: germline. Affected: yes.
Comment: In silico analysis supports that this missense variant has a deleterious effect on protein structure/function; Has not been previously published as pathogenic or benign to our knowledge; Variants in candidate genes are classified as variants of uncertain significance in accordance with ACMG guidelines (Richards et al., 2015)

NM_001347886.2(DNAH3):c.3683G>A (p.Arg1228Gln)

Gene: DNAH3 (dynein axonemal heavy chain 3; minus strand). Cytogenetic location: 16p12.3.
Variant type: single nucleotide variant.
Coding change: c.3683G>A on transcript NM_001347886.2 (MANE Select); coding-DNA position 3683, G replaced by A.
Protein change: p.Arg1228Gln; replaces arginine 1228 with glutamine.
Molecular consequence: missense variant.
Genome position (GRCh38, 1-based): chr16:21,058,189, C>T on the plus strand (G>A on the coding strand, the complement: DNAH3 is on the minus strand). VCF-style: chr16-21058189-C-T. GRCh37 (hg19) VCF-style: chr16-21069510-C-T.
Other names: c.3821G>A, p.Arg1274Gln (NM_017539.2); c.3821G>A (NM_017539.1); short protein forms R1228Q, R1274Q.
Identifiers: ClinVar variation 3774698 (VCV003774698.2).